The following is an entry in ClinVar:

NM_015202.5(KATNIP):c.49C>T (p.Arg17Ter)

Gene: KATNIP (katanin interacting protein; plus strand). Cytogenetic location: 16p12.1.
Variant type: single nucleotide variant.
Coding change: c.49C>T on transcript NM_015202.5 (MANE Select); coding-DNA position 49, C replaced by T.
Protein change: p.Arg17Ter; replaces arginine 17 with a stop codon.
Molecular consequence: nonsense.
Genome position (GRCh38, 1-based): chr16:27,573,942, C>T. VCF-style: chr16-27573942-C-T. GRCh37 (hg19) VCF-style: chr16-27585263-C-T.
Other names: short protein forms R17*.
Identifiers: ClinVar variation 828110 (VCV000828110.47), dbSNP rs142375551, ClinGen allele CA7977182.

ClinVar aggregate classification (germline): Pathogenic/Likely pathogenic. Review status: criteria provided, multiple submitters, no conflicts (2 of 4 stars). 9 submissions from 9 submitters: Pathogenic (4); Likely pathogenic (4). 1 of the submissions does not count toward it. Last evaluated 2025-04-02.

Conditions:
Joubert syndrome 26 (JBTS26). Identifiers: Orphanet 475, MedGen C4084843, MONDO:0014771, OMIM 616784.
KATNIP & KIAA0556-related disorders.

Allele frequency attached by ClinVar (database versions not stated): TOPMed 0.00004; gnomAD exomes 0.00005 and 0.00009; gnomAD 0.00007 and 0.00008; ExAC 0.00009; ESP Exome Variant Server 0.00015.

Submissions (9):

Variantyx, Inc.
Classification: Likely pathogenic for Joubert syndrome 26. Last evaluated: 2025-04-02. Review status: criteria provided, single submitter. Criteria: Variantyx Assertion Criteria 2022. Collection method: clinical testing. Allele origin: germline. Inheritance: Autosomal recessive inheritance. Affected: no.
Comment: This is a nonsense variant in the KATNIP gene (OMIM: 616650). Pathogenic variants in this gene have been associated with autosomal recessive Joubert syndrome 26. This variant introduces a premature termination codon in exon 2 out of 28 and is expected to result in loss of function, which is a known disease mechanism for KATNIP in this disorder (PMID: 26714646) (PVS1). This variant has a 0.0250% maximum allele frequency in non-founder control populations (PM2). Based on the current evidence, this variant is classified as likely pathogenic for autosomal recessive Joubert syndrome 26.

Labcorp Genetics (formerly Invitae), Labcorp
Classification: Pathogenic. Last evaluated: 2024-11-27. Review status: criteria provided, single submitter. Criteria: Invitae Variant Classification Sherloc (09022015). Collection method: clinical testing. Allele origin: germline.
Comment: This sequence change creates a premature translational stop signal (p.Arg17*) in the KIAA0556 gene. It is expected to result in an absent or disrupted protein product. Loss-of-function variants in KIAA0556 are known to be pathogenic (PMID: 26714646, 27245168). This variant is present in population databases (rs142375551, gnomAD 0.02%). This variant has not been reported in the literature in individuals affected with KIAA0556-related conditions. ClinVar contains an entry for this variant (Variation ID: 828110). For these reasons, this variant has been classified as Pathogenic.

Blueprint Genetics
Classification: Likely pathogenic for KATNIP & KIAA0556-related disorders. Last evaluated: 2024-09-26. Review status: criteria provided, single submitter. Criteria: ACMG Guidelines, 2015. Collection method: clinical testing. Allele origin: germline. Affected: yes. Observed: 5 variant alleles.

Genomic Medicine Center of Excellence, King Faisal Specialist Hospital and Research Centre
Classification: Pathogenic for Joubert syndrome 26. Last evaluated: 2024-03-17. Review status: criteria provided, single submitter. Criteria: ACMG Guidelines, 2015. Collection method: research. Allele origin: germline.

3billion
Classification: Pathogenic for Joubert syndrome 26. Last evaluated: 2023-10-16. Review status: criteria provided, single submitter. Criteria: ACMG Guidelines, 2015. Collection method: clinical testing. Allele origin: germline. Affected: yes.
Comment: The variant is observed at an extremely low frequency in the gnomAD v2.1.1 dataset (total allele frequency: 0.009%). Predicted Consequence/Location: Stop-gained (nonsense): predicted to result in a loss or disruption of normal protein function through nonsense-mediated decay (NMD) or protein truncation. Multiple pathogenic variants are reported downstream of the variant. The variant has been reported at least twice as pathogenic without evidence for the classification (ClinVar ID: VCV000828110). Therefore, this variant is classified as Pathogenic according to the recommendation of ACMG/AMP guideline.

GeneDx
Classification: Likely pathogenic. Last evaluated: 2023-09-07. Review status: criteria provided, single submitter. Criteria: GeneDx Variant Classification Process June 2021. Collection method: clinical testing. Allele origin: germline. Affected: yes.
Comment: Reported in large cohort study of individuals with cardiovascular disease; however, zygosity and detailed clinical information was not provided (PMID: 31345219); Nonsense variant predicted to result in protein truncation or nonsense mediated decay in a gene for which loss of function is a known mechanism of disease; This variant is associated with the following publications: (PMID: 31345219)

Dasa
Classification: Pathogenic for Joubert syndrome 26. Last evaluated: 2022-11-03. Review status: criteria provided, single submitter. Criteria: ACMG Guidelines, 2015. Collection method: clinical testing. Allele origin: germline. Affected: yes. Observed: 1 variant allele.
Comment: The c.49C>T;p.(Arg17*) variant creates a premature translational stop signal in the KATNIP gene. It is expected to result in an absent or disrupted protein product - PVS1. ClinVar contains an entry for this variant (Clinvar ID:828110) - PS4_supporting. The variant is present at low allele frequencies population databases (rs142375551 – gnomAD 0.0007233%; ABraOM no frequency) - PM2_supporting. In summary, the currently available evidence indicates that the variant is pathogenic.

CeGaT Center for Human Genetics Tuebingen
Classification: Likely pathogenic. Last evaluated: 2022-02-01. Review status: criteria provided, single submitter. Criteria: CeGaT Center For Human Genetics Tuebingen Variant Classification Criteria Version 2. Collection method: clinical testing. Allele origin: germline. Affected: yes. Observed: 1 variant allele.

Biochemical Molecular Genetic Laboratory, King Abdulaziz Medical City
Classification: Likely pathogenic for Joubert syndrome 26. Last evaluated: 2020-02-05. Review status: no assertion criteria provided. Collection method: clinical testing. Allele origin: germline. Affected: yes. Not counted in ClinVar's aggregate classification.

Literature cited by the submitters: PubMed 26714646 (cited by Variantyx, Inc. and Labcorp Genetics (formerly Invitae), Labcorp); PubMed 27245168 (cited by Labcorp Genetics (formerly Invitae), Labcorp).